The following is an entry in ClinVar:

NM_058004.4(PI4KA):c.4539G>A (p.Pro1513=)

Gene: PI4KA (phosphatidylinositol 4-kinase alpha; minus strand). Cytogenetic location: 22q11.21.
Variant type: single nucleotide variant.
Coding change: c.4539G>A on transcript NM_058004.4 (MANE Select); coding-DNA position 4539, G replaced by A.
Protein change: p.Pro1513=; no amino-acid change (proline 1513 retained).
Molecular consequence: synonymous variant.
Genome position (GRCh38, 1-based): chr22:20,729,456, C>T on the plus strand (G>A on the coding strand, the complement: PI4KA is on the minus strand). VCF-style: chr22-20729456-C-T. GRCh37 (hg19) VCF-style: chr22-21083744-C-T.
Other names: c.4446G>A, p.Pro1482= (NM_001362862.2); c.4473G>A, p.Pro1491= (NM_001362863.2).
Identifiers: ClinVar variation 3050659 (VCV003050659.16), dbSNP rs1013739508, ClinGen allele CA322251019.

ClinVar aggregate classification (germline): Likely benign. Review status: criteria provided, single submitter (1 of 4 stars). 2 submissions from 2 submitters: Likely benign (1). 1 of the submissions does not count toward it. Last evaluated 2024-10-01.

Conditions:
PI4KA-related disorder. Also called: PI4KA-related condition; PI4KA-related disorders. Identifiers: MedGen CN378147, MONDO:1040012.

Allele frequency attached by ClinVar (database versions not stated): gnomAD 0.00001; gnomAD exomes 0.00002; TOPMed 0.00003.
gnomAD v4.1: 26 of 1,610,822 alleles (0.0016%); highest among the groups gnomAD compares: East Asian, 0.0089%; no homozygotes.

Submissions (2):

CeGaT Center for Human Genetics Tuebingen
Classification: Likely benign. Last evaluated: 2024-10-01. Review status: criteria provided, single submitter. Criteria: CeGaT Center For Human Genetics Tuebingen Variant Classification Criteria Version 2. Collection method: clinical testing. Allele origin: germline. Affected: yes. Observed: 1 variant allele.
Comment: PI4KA: BP4, BP7

PreventionGenetics, part of Exact Sciences
Classification: Likely benign for PI4KA-related condition. Last evaluated: 2019-07-11. Review status: no assertion criteria provided. Collection method: clinical testing. Allele origin: germline. Not counted in ClinVar's aggregate classification.
Comment: This variant is classified as likely benign based on ACMG/AMP sequence variant interpretation guidelines (Richards et al. 2015 PMID: 25741868, with internal and published modifications).